The following is an entry in ClinVar:

ClinVar aggregate classification (germline): Uncertain significance. Review status: criteria provided, multiple submitters, no conflicts (2 of 4 stars). 2 submissions from 2 submitters: Uncertain significance (2). Last evaluated 2025-04-03.

Conditions:
Inborn genetic diseases. Identifiers: MedGen C0950123, MeSH D030342.

Submissions (2):

Ambry Genetics
Classification: Uncertain significance for Inborn genetic diseases. Last evaluated: 2025-04-03. Review status: criteria provided, single submitter. Criteria: Ambry Variant Classification Scheme 2023. Collection method: clinical testing. Allele origin: germline.

Labcorp Genetics (formerly Invitae), Labcorp
Classification: Uncertain significance. Last evaluated: 2022-08-15. Review status: criteria provided, single submitter. Criteria: Invitae Variant Classification Sherloc (09022015). Collection method: clinical testing. Allele origin: germline.
Comment: This sequence change replaces glutamine, which is neutral and polar, with histidine, which is basic and polar, at codon 2762 of the VCAN protein (p.Gln2762His). In summary, the available evidence is currently insufficient to determine the role of this variant in disease. Therefore, it has been classified as a Variant of Uncertain Significance. Algorithms developed to predict the effect of missense changes on protein structure and function are either unavailable or do not agree on the potential impact of this missense change (SIFT: "Deleterious"; PolyPhen-2: "Probably Damaging"; Align-GVGD: "Class C15"). ClinVar contains an entry for this variant (Variation ID: 1393522). This variant has not been reported in the literature in individuals affected with VCAN-related conditions. This variant is not present in population databases (gnomAD no frequency).

NM_004385.5(VCAN):c.8286G>C (p.Gln2762His)

Genes: VCAN (versican; plus strand), VCAN-AS1 (VCAN antisense RNA 1; minus strand). Cytogenetic location: 5q14.3.
Variant type: single nucleotide variant.
Coding change: c.8286G>C on transcript NM_004385.5 (MANE Select); coding-DNA position 8286, G replaced by C.
Protein change: p.Gln2762His; replaces glutamine 2762 with histidine.
Molecular consequence: missense variant. On other transcripts: intron variant (2).
Genome position (GRCh38, 1-based): chr5:83,541,289, G>C. VCF-style: chr5-83541289-G-C. GRCh37 (hg19) VCF-style: chr5-82837108-G-C.
Other names: c.8286G>C (NM_004385.4); c.5325G>C, p.Gln1775His (NM_001164097.2); c.4004-4248G>C (NM_001164098.2); c.1043-4248G>C (NM_001126336.3); short protein forms Q2762H, Q1775H.
Identifiers: ClinVar variation 1393522 (VCV001393522.7), dbSNP rs2112449514, ClinGen allele CA360316591.